The following is an entry in ClinVar:

NM_006949.4(STXBP2):c.901_902delinsCC (p.Lys301Pro)

Gene: STXBP2 (syntaxin binding protein 2; plus strand). Cytogenetic location: 19p13.2.
Variant type: Indel.
Coding change: c.901_902delinsCC on transcript NM_006949.4 (MANE Select); coding-DNA positions 901 to 902, AA replaced by CC.
Protein change: p.Lys301Pro; replaces lysine 301 with proline.
Molecular consequence: missense variant. On other transcripts: non-coding transcript variant (1).
Genome position (GRCh38, 1-based): chr19:7,642,535-7,642,536, AA replaced by CC. VCF-style: chr19-7642535-AA-CC. GRCh37 (hg19) VCF-style: chr19-7707421-AA-CC.
Other names: c.892_893delinsCC, p.Lys298Pro (NM_001127396.3); c.934_935delinsCC, p.Lys312Pro (NM_001272034.2); c.805_806delAAinsCC, p.Lys269Pro (NM_001414484.1); short protein forms K269P, K298P, K301P, K312P.
Identifiers: ClinVar variation 2413478 (VCV002413478.3), dbSNP rs2512698709, ClinGen allele CA2580097101.

ClinVar aggregate classification (germline): Uncertain significance (1 of 4 stars; one submission).

Conditions:
Familial hemophagocytic lymphohistiocytosis 5. Also called: STXBP2-Related Familial Hemophagocytic Lymphohistiocytosis (STXBP2-fHLH). Identifiers: Orphanet 540, MedGen C2751293, MONDO:0013135, OMIM 613101.

Submission:

Labcorp Genetics (formerly Invitae), Labcorp
Classification: Uncertain significance for Familial hemophagocytic lymphohistiocytosis 5. Last evaluated: 2023-12-13. Review status: criteria provided, single submitter. Criteria: Invitae Variant Classification Sherloc (09022015). Collection method: clinical testing. Allele origin: germline.
Comment: This sequence change replaces lysine, which is basic and polar, with proline, which is neutral and non-polar, at codon 301 of the STXBP2 protein (p.Lys301Pro). Information on the frequency of this variant in the gnomAD database is not available, as this variant may be reported differently in the database. This variant has not been reported in the literature in individuals affected with STXBP2-related conditions. ClinVar contains an entry for this variant (Variation ID: 2413478). An algorithm developed to predict the effect of missense changes on protein structure and function (PolyPhen-2) suggests that this variant is likely to be disruptive. In summary, the available evidence is currently insufficient to determine the role of this variant in disease. Therefore, it has been classified as a Variant of Uncertain Significance.